The following is an entry in ClinVar:

ClinVar aggregate classification (germline): Likely benign (1 of 4 stars; one submission).

Conditions:
SCAPER-related disorder. Also called: SCAPER-related condition.

gnomAD v4.1: 56 of 1,554,808 alleles (0.0036%); highest among the groups gnomAD compares: Admixed American, 0.049%; no homozygotes.

Submission:

PreventionGenetics, part of Exact Sciences
Classification: Likely benign for SCAPER-related condition. Last evaluated: 2025-01-04. Review status: criteria provided, single submitter. Criteria: ACMG Guidelines, 2015. Collection method: clinical testing. Allele origin: germline.
Comment: This variant is classified as likely benign based on ACMG/AMP sequence variant interpretation guidelines (Richards et al. 2015 PMID: 25741868, with internal and published modifications).

NM_020843.4(SCAPER):c.495-4G>A

Gene: SCAPER (S-phase cyclin A associated protein in the ER; minus strand). Cytogenetic location: 15q24.3.
Variant type: single nucleotide variant.
Coding change: c.495-4G>A on transcript NM_020843.4 (MANE Select); 4 bases into the intron before coding-DNA position 495, G replaced by A.
Molecular consequence: intron variant.
Genome position (GRCh38, 1-based): chr15:76,800,368, C>T on the plus strand (G>A on the coding strand, the complement: SCAPER is on the minus strand). VCF-style: chr15-76800368-C-T. GRCh37 (hg19) VCF-style: chr15-77092709-C-T.
Other names: c.93-4G>A (NM_001353011.2, NM_001353012.2, NM_001353010.2); c.495-4G>A (NM_001353009.2); c.-403-4G>A (NM_001145923.2).
Identifiers: ClinVar variation 4989508 (VCV004989508.1).